The following is an entry in ClinVar:

NM_000059.4(BRCA2):c.8326T>G (p.Leu2776Val)

Gene: BRCA2 (BRCA2 DNA repair associated; plus strand). Cytogenetic location: 13q13.1.
Variant type: single nucleotide variant.
Coding change: c.8326T>G on transcript NM_000059.4 (MANE Select); coding-DNA position 8326, T replaced by G.
Protein change: p.Leu2776Val; replaces leucine 2776 with valine.
Molecular consequence: missense variant. On other transcripts: non-coding transcript variant (1).
Genome position (GRCh38, 1-based): chr13:32,363,528, T>G. VCF-style: chr13-32363528-T-G. GRCh37 (hg19) VCF-style: chr13-32937665-T-G.
Other names: c.8230T>G, p.Leu2744Val (NM_001406719.1); c.8326T>G, p.Leu2776Val (NM_001406720.1, NM_001432077.1); c.3394T>G, p.Leu1132Val (NM_001406721.1); c.1909T>G, p.Leu637Val (NM_001406722.1); short protein forms L1132V, L2744V, L2776V, L637V.
Identifiers: ClinVar variation 4687772 (VCV004687772.1).

ClinVar aggregate classification (germline): Uncertain significance (1 of 4 stars; one submission).

Submission:

Women's Health and Genetics/Laboratory Corporation of America, LabCorp
Classification: Uncertain significance. Last evaluated: 2025-10-24. Review status: criteria provided, single submitter. Criteria: LabCorp Variant Classification Summary - May 2015. Collection method: clinical testing. Allele origin: germline.
Comment: Variant summary: BRCA2 c.8326T>G (p.Leu2776Val) results in a conservative amino acid change in the encoded protein sequence. Algorithms developed to predict the effect of missense changes on protein structure and function are either unavailable or do not agree on the potential impact of this missense change. The variant was absent in 247808 control chromosomes. The available data on variant occurrences in the general population are insufficient to allow any conclusion about variant significance. To our knowledge, no occurrence of c.8326T>G in individuals affected with BRCA2-related conditions and no experimental evidence demonstrating its impact on protein function have been reported. No submitters have cited clinical-significance assessments for this variant to ClinVar. Based on the evidence outlined above, the variant was classified as uncertain significance.